The following is an entry in ClinVar:

ClinVar aggregate classification (germline): Uncertain significance (1 of 4 stars; one submission).

Conditions:
Galactosylceramide beta-galactosidase deficiency. Also called: Krabbe Disease; Leukodystrophy, Globoid Cell; GALACTOCEREBROSIDASE DEFICIENCY; GALC DEFICIENCY; GLOBOID CELL LEUKOENCEPHALOPATHY. Identifiers: Orphanet 487, MedGen C0023521, MONDO:0009499, OMIM 245200.

Submission:

Labcorp Genetics (formerly Invitae), Labcorp
Classification: Uncertain significance for Galactosylceramide beta-galactosidase deficiency. Last evaluated: 2023-12-18. Review status: criteria provided, single submitter. Criteria: Invitae Variant Classification Sherloc (09022015). Collection method: clinical testing. Allele origin: germline.
Comment: This sequence change falls in intron 2 of the GALC gene. It does not directly change the encoded amino acid sequence of the GALC protein. It affects a nucleotide within the consensus splice site. This variant is not present in population databases (gnomAD no frequency). This variant has not been reported in the literature in individuals affected with GALC-related conditions. ClinVar contains an entry for this variant (Variation ID: 1489676). Variants that disrupt the consensus splice site are a relatively common cause of aberrant splicing (PMID: 17576681, 9536098). Algorithms developed to predict the effect of sequence changes on RNA splicing suggest that this variant is not likely to affect RNA splicing. In summary, the available evidence is currently insufficient to determine the role of this variant in disease. Therefore, it has been classified as a Variant of Uncertain Significance.

Literature cited by the submitters: PubMed 17576681; PubMed 9536098.

NM_000153.4(GALC):c.264+5T>A

Gene: GALC (galactosylceramidase; minus strand). Cytogenetic location: 14q31.3.
Variant type: single nucleotide variant.
Coding change: c.264+5T>A on transcript NM_000153.4 (MANE Select); 5 bases into the intron after coding-DNA position 264, T replaced by A.
Molecular consequence: intron variant.
Genome position (GRCh38, 1-based): chr14:87,988,450, A>T on the plus strand (T>A on the coding strand, the complement: GALC is on the minus strand). VCF-style: chr14-87988450-A-T. GRCh37 (hg19) VCF-style: chr14-88454794-A-T.
Other names: c.186+5T>A (NM_001201402.2); c.196-243T>A (NM_001201401.2).
Identifiers: ClinVar variation 1489676 (VCV001489676.6), dbSNP rs2139759293, ClinGen allele CA2573150201.